The following is an entry in ClinVar:

NM_018263.6(ASXL2):c.4188G>A (p.Thr1396=)

Gene: ASXL2 (ASXL transcriptional regulator 2; minus strand). Cytogenetic location: 2p23.3.
Variant type: single nucleotide variant.
Coding change: c.4188G>A on transcript NM_018263.6 (MANE Select); coding-DNA position 4188, G replaced by A.
Protein change: p.Thr1396=; no amino-acid change (threonine 1396 retained).
Molecular consequence: synonymous variant.
Genome position (GRCh38, 1-based): chr2:25,742,149, C>T on the plus strand (G>A on the coding strand, the complement: ASXL2 is on the minus strand). VCF-style: chr2-25742149-C-T. GRCh37 (hg19) VCF-style: chr2-25965018-C-T.
Other names: c.4014G>A, p.Thr1338= (NM_001369346.1); c.3408G>A, p.Thr1136= (NM_001369347.1).
Identifiers: ClinVar variation 732358 (VCV000732358.16), dbSNP rs113503588, ClinGen allele CA1557340.
Genomic context (GRCh38, chr2:25,742,149, plus strand): 5'-GAAAGCGCCACAGCCTTTGCACATGATCATGGCTTTCAAGCGGCAGTAACATTTCGAAGG[C>T]GTGCCCTCTATGCTGTTCTCTTCGGAGAACGCCTGAACAGGAATGGTCTGGCCATGGCTG-3'
Protein context (NP_060733.4, residues 1386-1406): AFSEENSIEG[Thr1396=]PSKCYCRLKA

ClinVar aggregate classification (germline): Benign/Likely benign. Review status: criteria provided, multiple submitters, no conflicts (2 of 4 stars). 4 submissions from 4 submitters: Benign (1); Likely benign (2). 1 of the submissions does not count toward it. Last evaluated 2025-12-25.

Conditions:
ASXL2-related disorder. Also called: ASXL2-related condition.

Allele frequency attached by ClinVar (database versions not stated): ExAC 0.00032; ESP Exome Variant Server 0.00096; gnomAD 0.00103 and 0.00110; TOPMed 0.00108; 1000 Genomes Project 0.00120; 1000 Genomes Project 30x 0.00172.
gnomAD v4.1: 367 of 1,614,052 alleles (0.023%); highest among the groups gnomAD compares: African/African-American, 0.36%; no homozygotes.

Submissions (4):

Labcorp Genetics (formerly Invitae), Labcorp
Classification: Benign. Last evaluated: 2025-12-25. Review status: criteria provided, single submitter. Criteria: Invitae Variant Classification Sherloc (09022015). Collection method: clinical testing. Allele origin: germline.

CeGaT Center for Human Genetics Tuebingen
Classification: Likely benign. Last evaluated: 2025-12-01. Review status: criteria provided, single submitter. Criteria: CeGaT Center For Human Genetics Tuebingen Variant Classification Criteria Version 2. Collection method: clinical testing. Allele origin: germline. Affected: yes. Observed: 1 variant allele.
Comment: ASXL2: BP4, BP7

Blueprint Genetics
Classification: Likely benign. Last evaluated: 2024-11-13. Review status: criteria provided, single submitter. Criteria: ACMG Guidelines, 2015. Collection method: clinical testing. Allele origin: germline.

PreventionGenetics, part of Exact Sciences
Classification: Likely benign for ASXL2-related condition. Last evaluated: 2024-01-19. Review status: no assertion criteria provided. Collection method: clinical testing. Allele origin: germline. Not counted in ClinVar's aggregate classification.
Comment: This variant is classified as likely benign based on ACMG/AMP sequence variant interpretation guidelines (Richards et al. 2015 PMID: 25741868, with internal and published modifications).